The following is an entry in ClinVar:

ClinVar aggregate classification (germline): Benign/Likely benign. Review status: criteria provided, multiple submitters, no conflicts (2 of 4 stars). 2 submissions from 2 submitters: Benign (1); Likely benign (1). Last evaluated 2023-04-11.

Conditions:
Glycogen storage disease IXd (GSD9D). Also called: GSD IXd; Muscle Phosphorylase Kinase Deficiency. Identifiers: Orphanet 715, MedGen C1845151, MONDO:0010362, OMIM 300559.

Allele frequency attached by ClinVar (database versions not stated): TOPMed 0.00002.

Submissions (2):

Labcorp Genetics (formerly Invitae), Labcorp
Classification: Likely benign for Glycogen storage disease IXd. Last evaluated: 2023-04-11. Review status: criteria provided, single submitter. Criteria: Invitae Variant Classification Sherloc (09022015). Collection method: clinical testing. Allele origin: germline.

Illumina Laboratory Services, Illumina
Classification: Benign for Glycogen storage disease IXd. Last evaluated: 2018-01-13. Review status: criteria provided, single submitter. Criteria: ICSL Variant Classification Criteria 13 December 2019. Collection method: clinical testing. Allele origin: germline.
Comment: This variant was observed in the ICSL laboratory as part of a predisposition screen in an ostensibly healthy population. It had not been previously curated by ICSL or reported in the Human Gene Mutation Database (HGMD: prior to June 1st, 2018), and was therefore a candidate for classification through an automated scoring system. Utilizing variant allele frequency, disease prevalence and penetrance estimates, and inheritance mode, an automated score was calculated to assess if this variant is too frequent to cause the disease. Based on the score and internal cut-off values, a variant classified as benign is not then subjected to further curation. The score for this variant resulted in a classification of benign for this disease.

NM_002637.4(PHKA1):c.2856G>A (p.Ser952=)

Gene: PHKA1 (phosphorylase kinase regulatory subunit alpha 1; minus strand). Cytogenetic location: Xq13.1.
Variant type: single nucleotide variant.
Coding change: c.2856G>A on transcript NM_002637.4 (MANE Select); coding-DNA position 2856, G replaced by A.
Protein change: p.Ser952=; no amino-acid change (serine 952 retained).
Molecular consequence: synonymous variant.
Genome position (GRCh38, 1-based): chrX:72,603,180, C>T on the plus strand (G>A on the coding strand, the complement: PHKA1 is on the minus strand). VCF-style: chrX-72603180-C-T. GRCh37 (hg19) VCF-style: chrX-71823030-C-T.
Other names: c.2856G>A, p.Ser952= (NM_001122670.2); c.2679G>A, p.Ser893= (NM_001172436.2).
Identifiers: ClinVar variation 915261 (VCV000915261.7), dbSNP rs782602098, ClinGen allele CA10450607.